The following is an entry in ClinVar:

ClinVar aggregate classification (germline): Conflicting classifications of pathogenicity. Review status: criteria provided, conflicting classifications (1 of 4 stars). 10 submissions from 9 submitters: Uncertain significance (3); Benign (2); Likely benign (5). Last evaluated 2026-02-01.

Conditions:
Cardiovascular phenotype. Identifiers: MedGen CN230736.
RASopathy. Also called: rasopathies; Noonan spectrum disorder. Identifiers: Orphanet 536391, MedGen C5555857, MONDO:0021060.
Noonan syndrome 4 (NS4). Also called: NOONAN SYNDROME WITH PIGMENTED VILLONODULAR SYNOVITIS; SOS1-Related Noonan Syndrome. Identifiers: Orphanet 648, MedGen C1853120, MONDO:0012547, OMIM 610733.
Fibromatosis, gingival, 1 (GINGF1). Identifiers: Orphanet 2024, MedGen C4551558, MONDO:0007609, OMIM 135300.

Allele frequency attached by ClinVar (database versions not stated): TOPMed 0.00006; gnomAD 0.00007; gnomAD exomes 0.00008 and 0.00015; ExAC 0.00016.
gnomAD v4.1: 126 of 1,613,814 alleles (0.0078%); highest among the groups gnomAD compares: Middle Eastern, 0.54%; 3 homozygotes.

Submissions (10):

CeGaT Center for Human Genetics Tuebingen
Classification: Benign. Last evaluated: 2026-02-01. Review status: criteria provided, single submitter. Criteria: CeGaT Center For Human Genetics Tuebingen Variant Classification Criteria Version 2. Collection method: clinical testing. Allele origin: germline. Affected: yes. Observed: 2 variant alleles.
Comment: SOS1: BS1, BS2

Labcorp Genetics (formerly Invitae), Labcorp
Classification: Likely benign for RASopathy. Last evaluated: 2025-12-16. Review status: criteria provided, single submitter. Criteria: Invitae Variant Classification Sherloc (09022015). Collection method: clinical testing. Allele origin: germline.

Women's Health and Genetics/Laboratory Corporation of America, LabCorp
Classification: Likely benign. Last evaluated: 2024-12-09. Review status: criteria provided, single submitter. Criteria: LabCorp Variant Classification Summary - May 2015. Collection method: clinical testing. Allele origin: germline.
Comment: Variant summary: SOS1 c.3269C>T (p.Pro1090Leu) results in a non-conservative amino acid change in the encoded protein sequence. Three of five in-silico tools predict a damaging effect of the variant on protein function. The variant allele was found at a frequency of 0.00015 in 251006 control chromosomes, predominantly at a frequency of 0.00039 within the South Asian subpopulation in the gnomAD database. The final diagnosis of the patient is reported as "undiagnosed" with a variant classification as "likely benign" and a "negative" diagnosis (Bhoj_2016). This report does not provide unequivocal conclusions about association of the variant with Noonan Syndrome And Related Conditions. To our knowledge, no experimental evidence demonstrating an impact on protein function has been reported. The following publication has been ascertained in the context of this evaluation (PMID: 27763634).ClinVar contains an entry for this variant (Variation ID: 40722). Based on the evidence outlined above, the variant was classified as likely benign.

Blueprint Genetics
Classification: Likely benign. Last evaluated: 2024-11-08. Review status: criteria provided, single submitter. Criteria: ACMG Guidelines, 2015. Collection method: clinical testing. Allele origin: germline.

Ambry Genetics
Classification: Likely benign for Cardiovascular phenotype. Last evaluated: 2020-02-19. Review status: criteria provided, single submitter. Criteria: Ambry Variant Classification Scheme 2023. Collection method: clinical testing. Allele origin: germline.

GeneDx
Classification: Benign. Last evaluated: 2018-09-05. Review status: criteria provided, single submitter. Criteria: GeneDx Variant Classification Process June 2021. Collection method: clinical testing. Allele origin: germline. Affected: yes.
Comment: Reported as likely benign in an individual with gastroesophageal reflux disease, chylous pleural effusion, chronic lung disease, and astigmatism. No segregation information was provided (Bhoj et al., 2017).; In silico analysis, which includes protein predictors and evolutionary conservation, supports a deleterious effect; This variant is associated with the following publications: (PMID: 27763634)

Illumina Laboratory Services, Illumina
Classification: Likely benign for Fibromatosis, gingival, 1. Last evaluated: 2018-01-13. Review status: criteria provided, single submitter. Criteria: ICSL Variant Classification Criteria 13 December 2019. Collection method: clinical testing. Allele origin: germline.
Comment: This variant was observed in the ICSL laboratory as part of a predisposition screen in an ostensibly healthy population. It had not been previously curated by ICSL or reported in the Human Gene Mutation Database (HGMD: prior to June 1st, 2018), and was therefore a candidate for classification through an automated scoring system. Utilizing variant allele frequency, disease prevalence and penetrance estimates, and inheritance mode, an automated score was calculated to assess if this variant is too frequent to cause the disease. Based on the score and internal cut-off values, a variant classified as likely benign is not then subjected to further curation. The score for this variant resulted in a classification of likely benign for this disease.

Illumina Laboratory Services, Illumina
Classification: Uncertain significance for Noonan syndrome 4. Last evaluated: 2018-01-13. Review status: criteria provided, single submitter. Criteria: ICSL Variant Classification Criteria 13 December 2019. Collection method: clinical testing. Allele origin: germline.

Laboratory for Molecular Medicine, Mass General Brigham Personalized Medicine
Classification: Uncertain significance. Last evaluated: 2015-11-19. Review status: criteria provided, single submitter. Criteria: LMM Criteria. Collection method: clinical testing. Allele origin: germline. Observed: 2 variant alleles.
Comment: Variant classified as Uncertain Significance - Favor Benign. The p.Pro1090Leu va riant in SOS1 has not been previously reported in individuals with a RASopathy, but has been identified in 11/66720 European chromosomes including one homozygou s individual and 6/16512 South Asian chromosomes by the Exome Aggregation Consor tium (ExAC; dbSNP rs730881034). Computational pr ediction tools and conservation analysis do not provide strong support for or ag ainst an impact to the protein. In summary, while the clinical significance of the p.Pro1090Leu variant is uncertain, its frequency suggests that it is more li kely to be benign.

Genetic Services Laboratory, University of Chicago
Classification: Uncertain significance. Last evaluated: 2015-05-22. Review status: criteria provided, single submitter. Criteria: ACMG Guidelines, 2015. Collection method: clinical testing. Allele origin: germline.

Literature cited by the submitters: PubMed 27763634 (cited by Women's Health and Genetics/Laboratory Corporation of America, LabCorp and Ambry Genetics).

NM_005633.4(SOS1):c.3269C>T (p.Pro1090Leu)

Gene: SOS1 (SOS Ras/Rac guanine nucleotide exchange factor 1; minus strand). Cytogenetic location: 2p22.1.
Variant type: single nucleotide variant.
Coding change: c.3269C>T on transcript NM_005633.4 (MANE Select); coding-DNA position 3269, C replaced by T.
Protein change: p.Pro1090Leu; replaces proline 1090 with leucine.
Molecular consequence: missense variant.
Genome position (GRCh38, 1-based): chr2:38,995,200, G>A on the plus strand (C>T on the coding strand, the complement: SOS1 is on the minus strand). VCF-style: chr2-38995200-G-A. GRCh37 (hg19) VCF-style: chr2-39222341-G-A.
Other names: p.P1090L:CCG>CTG; c.3248C>T, p.Pro1083Leu (NM_001382394.1); c.3269C>T, p.Pro1090Leu (NM_001382395.1); short protein forms P1090L, P1083L.
Identifiers: ClinVar variation 40722 (VCV000040722.70), dbSNP rs730881034, ClinGen allele CA205476.
Genomic context (GRCh38, chr2:38,995,200, plus strand): 5'-GAATGATCGGAATCAAATACACTGCAAACATCTGTGGTACTGGAAGCACCAGAAGCAGGC[G>A]GAGGTGTTAACGGTGTTCTTGGAGAATTTGGTGCAGATGCTGTACTTTCTGTTTCACTTT-3'
Protein context (NP_005624.2, residues 1080-1100): PNSPRTPLTP[Pro1090Leu]PASGASSTTD